The following is an entry in ClinVar:

NM_000138.5(FBN1):c.1838-4A>G

Gene: FBN1 (fibrillin 1; minus strand). Cytogenetic location: 15q21.1.
Variant type: single nucleotide variant.
Coding change: c.1838-4A>G on transcript NM_000138.5 (MANE Select); 4 bases into the intron before coding-DNA position 1838, A replaced by G.
Molecular consequence: intron variant.
Genome position (GRCh38, 1-based): chr15:48,505,151, T>C on the plus strand (A>G on the coding strand, the complement: FBN1 is on the minus strand). VCF-style: chr15-48505151-T-C. GRCh37 (hg19) VCF-style: chr15-48797348-T-C.
Other names: c.1838-4A>G (NM_001406716.1).
Identifiers: ClinVar variation 3074683 (VCV003074683.1), dbSNP rs2043698312, ClinGen allele CA969563171.

ClinVar aggregate classification (germline): Likely benign (1 of 4 stars; one submission).

Conditions:
Marfan syndrome (MFS). Also called: MARFAN SYNDROME, TYPE I; Marfan syndrome type 1; Marfan's syndrome; Marfan syndrome, classic; FBN1-Related Marfan Syndrome. Identifiers: Orphanet 284963, Orphanet 558, MedGen C0024796, MONDO:0007947, OMIM 154700.

Allele frequency attached by ClinVar (database versions not stated): TOPMed below 0.00001; gnomAD 0.00001; gnomAD exomes below 0.00001.
gnomAD v4.1: 2 of 1,614,034 alleles (0.00012%); highest among the groups gnomAD compares: African/African-American, 0.0027%; no homozygotes.

Submission:

All of Us Research Program, National Institutes of Health
Classification: Likely benign for Marfan syndrome. Last evaluated: 2023-11-20. Review status: criteria provided, single submitter. Criteria: ACMG Guidelines, 2015. Collection method: clinical testing. Allele origin: germline. Inheritance: Autosomal dominant inheritance. Observed: 1 variant allele, 1 heterozygote.
Comment: This study involves interpretation of variants in research participants for the purpose of population health screening. Participant phenotype was not available at the time of variant classification. Additional details can be found in publication PMID: 35346344, PMCID: PMC8962531